The following is an entry in ClinVar:

NM_000038.6(APC):c.3778C>T (p.Gln1260Ter)

Gene: APC (APC regulator of Wnt signaling pathway; plus strand). Cytogenetic location: 5q22.2.
Variant type: single nucleotide variant.
Coding change: c.3778C>T on transcript NM_000038.6 (MANE Select); coding-DNA position 3778, C replaced by T.
Protein change: p.Gln1260Ter; replaces glutamine 1260 with a stop codon.
Molecular consequence: nonsense. On other transcripts: non-coding transcript variant (2).
Genome position (GRCh38, 1-based): chr5:112,839,372, C>T. VCF-style: chr5-112839372-C-T. GRCh37 (hg19) VCF-style: chr5-112175069-C-T.
Other names: c.3778C>T, p.Gln1260Ter (NM_001127510.3, NM_001354895.2, NM_001407450.1); c.3724C>T, p.Gln1242Ter (NM_001127511.3); c.3832C>T, p.Gln1278Ter (NM_001354896.2, NM_001407447.1, NM_001407448.1 and 1 more transcripts); c.3808C>T, p.Gln1270Ter (NM_001354897.2); c.3703C>T, p.Gln1235Ter (NM_001354898.2); c.3694C>T, p.Gln1232Ter (NM_001354899.2); c.3655C>T, p.Gln1219Ter (NM_001354900.2); c.3601C>T, p.Gln1201Ter (NM_001354901.2, NM_001407453.1); and 11 more; short protein forms Q1100*, Q1131*, Q1134*, Q1159*, Q1169*, Q1177*, Q1201*, Q1219*.
Identifiers: ClinVar variation 2583987 (VCV002583987.1), dbSNP rs2149898795, ClinGen allele CA16029619.

ClinVar aggregate classification (germline): Pathogenic (1 of 4 stars; one submission).

Conditions:
Familial adenomatous polyposis 1 (FAP1). Also called: FAMILIAL ADENOMATOUS POLYPOSIS 1, ATTENUATED; POLYPOSIS, ADENOMATOUS INTESTINAL. Identifiers: MedGen C2713442, MONDO:0021056, OMIM 175100. Disease mechanism: loss of function.

Submission:

Myriad Genetics, Inc.
Classification: Pathogenic for Familial adenomatous polyposis 1. Last evaluated: 2023-05-09. Review status: criteria provided, single submitter. Criteria: Myriad Autosomal Dominant, Autosomal Recessive and X-Linked Classification Criteria (2023). Collection method: clinical testing. Allele origin: unknown.
Comment: This variant is considered pathogenic. This variant creates a termination codon and is predicted to result in premature protein truncation.